The following is an entry in ClinVar:

ClinVar aggregate classification (germline): Likely benign (1 of 4 stars; one submission).

Allele frequency attached by ClinVar (database versions not stated): gnomAD exomes below 0.00001.
gnomAD v4.1: 2 of 1,612,410 alleles (0.00012%); highest among the groups gnomAD compares: Non-Finnish European, 0.00017%; no homozygotes.

Submission:

GeneDx
Classification: Likely benign. Last evaluated: 2018-04-20. Review status: criteria provided, single submitter. Criteria: GeneDx Variant Classification (06012015). Collection method: clinical testing. Allele origin: germline. Affected: yes.
Comment: This variant is considered likely benign or benign based on one or more of the following criteria: it is a conservative change, it occurs at a poorly conserved position in the protein, it is predicted to be benign by multiple in silico algorithms, and/or has population frequency not consistent with disease.

NM_001267550.2(TTN):c.52542A>G (p.Thr17514=)

Genes: TTN (titin; minus strand), TTN-AS1 (TTN antisense RNA 1; plus strand), LOC126806425 (BRD4-independent group 4 enhancer GRCh37_chr2:179471933-179473132; plus strand). Cytogenetic location: 2q31.2.
Variant type: single nucleotide variant.
Coding change: c.52542A>G on transcript NM_001267550.2 (MANE Select); coding-DNA position 52542, A replaced by G.
Protein change: p.Thr17514=; no amino-acid change (threonine 17514 retained).
Molecular consequence: synonymous variant.
Genome position (GRCh38, 1-based): chr2:178,608,341, T>C on the plus strand (A>G on the coding strand, the complement: TTN is on the minus strand). VCF-style: chr2-178608341-T-C. GRCh37 (hg19) VCF-style: chr2-179473068-T-C.
Other names: c.47619A>G, p.Thr15873= (NM_001256850.1); c.25347A>G, p.Thr8449= (NM_003319.4); c.44838A>G, p.Thr14946= (NM_133378.4); c.25722A>G, p.Thr8574= (NM_133432.3); c.25923A>G, p.Thr8641= (NM_133437.4).
Identifiers: ClinVar variation 682089 (VCV000682089.1), dbSNP rs1576373618, ClinGen allele CA430271194.